The following is an entry in ClinVar:

ClinVar aggregate classification (germline): Uncertain significance (1 of 4 stars; one submission).

Conditions:
Inborn genetic diseases. Identifiers: MedGen C0950123, MeSH D030342.

Submission:

Ambry Genetics
Classification: Uncertain significance for Inborn genetic diseases. Last evaluated: 2025-03-26. Review status: criteria provided, single submitter. Criteria: Ambry Variant Classification Scheme 2023. Collection method: clinical testing. Allele origin: germline.
Comment: The p.G1301R variant (also known as c.3901G>A), located in coding exon 13 of the ASXL1 gene, results from a G to A substitution at nucleotide position 3901. The glycine at codon 1301 is replaced by arginine, an amino acid with dissimilar properties. This amino acid position is conserved. In addition, this alteration is predicted to be tolerated by in silico analysis. Based on the available evidence, the clinical significance of this variant remains unclear.

NM_015338.6(ASXL1):c.3901G>A (p.Gly1301Arg)

Gene: ASXL1 (ASXL transcriptional regulator 1; plus strand). Cytogenetic location: 20q11.21.
Variant type: single nucleotide variant.
Coding change: c.3901G>A on transcript NM_015338.6 (MANE Select); coding-DNA position 3901, G replaced by A.
Protein change: p.Gly1301Arg; replaces glycine 1301 with arginine.
Molecular consequence: missense variant.
Genome position (GRCh38, 1-based): chr20:32,436,613, G>A. VCF-style: chr20-32436613-G-A. GRCh37 (hg19) VCF-style: chr20-31024416-G-A.
Other names: c.3718G>A, p.Gly1240Arg (NM_001363734.1); short protein forms G1301R, G1240R.
Identifiers: ClinVar variation 3955197 (VCV003955197.1).
Genomic context (GRCh38, chr20:32,436,613, plus strand): 5'-TCCTTTGGTCCAGAGCAGACAGGTCGGGCCCTGGGTGATCAGAGCAATGTTACAGGCCAA[G>A]GGAAGAAGCTTTTTGGCTCTGGGAATGTGGCTGCAACCCTTCAGCGCCCCAGGCCTGCGG-3'
Protein context (NP_056153.2, residues 1291-1311): LGDQSNVTGQ[Gly1301Arg]KKLFGSGNVA